The following is an entry in ClinVar:

NM_002180.3(IGHMBP2):c.2636C>T (p.Thr879Met)

Gene: IGHMBP2 (immunoglobulin mu DNA binding protein 2; plus strand). Cytogenetic location: 11q13.3.
Variant type: single nucleotide variant.
Coding change: c.2636C>T on transcript NM_002180.3 (MANE Select); coding-DNA position 2636, C replaced by T.
Protein change: p.Thr879Met; replaces threonine 879 with methionine.
Molecular consequence: missense variant.
Genome position (GRCh38, 1-based): chr11:68,938,206, C>T. VCF-style: chr11-68938206-C-T. GRCh37 (hg19) VCF-style: chr11-68705674-C-T.
Other names: short protein forms T879M.
Identifiers: ClinVar variation 1017770 (VCV001017770.23), dbSNP rs17612126, ClinGen allele CA6153972.

ClinVar aggregate classification (germline): Uncertain significance. Review status: criteria provided, multiple submitters, no conflicts (2 of 4 stars). 4 submissions from 4 submitters: Uncertain significance (4). Last evaluated 2024-11-01.

Conditions:
Charcot-Marie-Tooth disease axonal type 2S. Also called: CHARCOT-MARIE-TOOTH NEUROPATHY, TYPE 2S; CHARCOT-MARIE-TOOTH DISEASE, AXONAL, AUTOSOMAL RECESSIVE, TYPE 2S. Identifiers: Orphanet 443073, MedGen C4015349, MONDO:0014511, OMIM 616155.
Autosomal recessive distal spinal muscular atrophy 1. Also called: HMN VI; SPINAL MUSCULAR ATROPHY, DIAPHRAGMATIC; Spinal muscular atrophy with respiratory distress 1; NEURONOPATHY, DISTAL HEREDITARY MOTOR, HARDING TYPE VI; NEUROPATHY, DISTAL HEREDITARY MOTOR, AUTOSOMAL RECESSIVE 1; NEURONOPATHY, SEVERE INFANTILE AXONAL, WITH RESPIRATORY FAILURE. Identifiers: Orphanet 98920, MedGen C1858517, MONDO:0011436, OMIM 604320.

gnomAD v4.1: 36 of 1,613,872 alleles (0.0022%); highest among the groups gnomAD compares: South Asian, 0.022%; no homozygotes.

Submissions (4):

CeGaT Center for Human Genetics Tuebingen
Classification: Uncertain significance. Last evaluated: 2024-11-01. Review status: criteria provided, single submitter. Criteria: CeGaT Center For Human Genetics Tuebingen Variant Classification Criteria Version 2. Collection method: clinical testing. Allele origin: germline. Affected: yes. Observed: 1 variant allele.
Comment: IGHMBP2: PM2, BP4

Labcorp Genetics (formerly Invitae), Labcorp
Classification: Uncertain significance for Autosomal recessive distal spinal muscular atrophy 1; Charcot-Marie-Tooth disease axonal type 2S. Last evaluated: 2022-07-12. Review status: criteria provided, single submitter. Criteria: Invitae Variant Classification Sherloc (09022015). Collection method: clinical testing. Allele origin: germline.
Comment: This sequence change replaces threonine, which is neutral and polar, with methionine, which is neutral and non-polar, at codon 879 of the IGHMBP2 protein (p.Thr879Met). This variant is present in population databases (rs17612126, gnomAD 0.02%). This variant has not been reported in the literature in individuals affected with IGHMBP2-related conditions. ClinVar contains an entry for this variant (Variation ID: 1017770). Advanced modeling of protein sequence and biophysical properties (such as structural, functional, and spatial information, amino acid conservation, physicochemical variation, residue mobility, and thermodynamic stability) performed at Invitae indicates that this missense variant is not expected to disrupt IGHMBP2 protein function. In summary, the available evidence is currently insufficient to determine the role of this variant in disease. Therefore, it has been classified as a Variant of Uncertain Significance.

Blueprint Genetics
Classification: Uncertain significance. Last evaluated: 2019-11-14. Review status: criteria provided, single submitter. Criteria: ACMG Guidelines, 2015. Collection method: clinical testing. Allele origin: germline.

Neuberg Centre For Genomic Medicine, NCGM
Classification: Uncertain significance for Charcot-Marie-Tooth disease axonal type 2S. Review status: criteria provided, single submitter. Criteria: ACMG Guidelines, 2015. Collection method: clinical testing. Allele origin: germline. Affected: yes.
Comment: The missense variant p.T879M in IGHMBP2 (NM_002180.2) has not been reported previously as a pathogenic variant nor as a benign variant, to our knowledge. The p.T879M variant is observed in 7/30,616 (0.0229%) alleles from individuals of South Asian background in gnomAD Exomes and is novel (not in any individuals) in 1000 Genomes. There is a moderate physicochemical difference between threonine and methionine. The p.T879M missense variant is predicted to be tolerated by both SIFT or PolyPhen2. The nucleotide c.2636 in IGHMBP2 is not conserved according to a GERP++ and PhyloP analysis of 100 vertebrates. For these reasons, this variant has been classified as Uncertain Significance.